The following is an entry in ClinVar:

NM_005633.4(SOS1):c.743G>T (p.Arg248Leu)

Gene: SOS1 (SOS Ras/Rac guanine nucleotide exchange factor 1; minus strand). Cytogenetic location: 2p22.1.
Variant type: single nucleotide variant.
Coding change: c.743G>T on transcript NM_005633.4 (MANE Select); coding-DNA position 743, G replaced by T.
Protein change: p.Arg248Leu; replaces arginine 248 with leucine.
Molecular consequence: missense variant.
Genome position (GRCh38, 1-based): chr2:39,051,265, C>A on the plus strand (G>T on the coding strand, the complement: SOS1 is on the minus strand). VCF-style: chr2-39051265-C-A. GRCh37 (hg19) VCF-style: chr2-39278406-C-A.
Other names: c.722G>T, p.Arg241Leu (NM_001382394.1); c.743G>T, p.Arg248Leu (NM_001382395.1); short protein forms R241L, R248L.
Identifiers: ClinVar variation 1342543 (VCV001342543.3), dbSNP rs775052125, ClinGen allele CA346367809.

ClinVar aggregate classification (germline): Uncertain significance. Review status: criteria provided, multiple submitters, no conflicts (2 of 4 stars). 2 submissions from 2 submitters: Uncertain significance (2). Last evaluated 2024-06-04.

Conditions:
RASopathy. Also called: Noonan spectrum disorder; rasopathies. Identifiers: Orphanet 536391, MedGen C5555857, MONDO:0021060.
Noonan syndrome 4 (NS4). Also called: NOONAN SYNDROME WITH PIGMENTED VILLONODULAR SYNOVITIS; SOS1-Related Noonan Syndrome. Identifiers: Orphanet 648, MedGen C1853120, MONDO:0012547, OMIM 610733.

gnomAD v4.1: 2 of 1,610,434 alleles (0.00012%); highest among the groups gnomAD compares: Non-Finnish European, 0.00017%; no homozygotes.

Submissions (2):

Labcorp Genetics (formerly Invitae), Labcorp
Classification: Uncertain significance for RASopathy. Last evaluated: 2024-06-04. Review status: criteria provided, single submitter. Criteria: Invitae Variant Classification Sherloc (09022015). Collection method: clinical testing. Allele origin: germline.
Comment: This sequence change replaces arginine, which is basic and polar, with leucine, which is neutral and non-polar, at codon 248 of the SOS1 protein (p.Arg248Leu). This variant is present in population databases (no rsID available, gnomAD 0.007%). This variant has not been reported in the literature in individuals affected with SOS1-related conditions. ClinVar contains an entry for this variant (Variation ID: 1342543). Advanced modeling of protein sequence and biophysical properties (such as structural, functional, and spatial information, amino acid conservation, physicochemical variation, residue mobility, and thermodynamic stability) has been performed at Invitae for this missense variant, however the output from this modeling did not meet the statistical confidence thresholds required to predict the impact of this variant on SOS1 protein function. In summary, the available evidence is currently insufficient to determine the role of this variant in disease. Therefore, it has been classified as a Variant of Uncertain Significance.

New York Genome Center
Classification: Uncertain significance for Noonan syndrome 4. Last evaluated: 2021-03-26. Review status: criteria provided, single submitter. Criteria: NYGC Assertion Criteria 2020. Collection method: clinical testing. Allele origin: germline. Observed: 1 heterozygote. Study: CSER-NYCKidSeq.
Comment: The c.743G>T (p.Arg248Leu) variant identified in the SOS1 gene substitutes a conserved Arginine for Leucine at amino acid248/1334 (exon 6/23). This variant is found with low frequency in gnomAD(v3.1.1) (1 heterozygote, 0 homozygotes; allele frequency:6.58e-6) suggesting it is not a common benign variant in the populations in that database. In silico algorithms predict this variant to be Damaging (SIFT; score: 0.005) and Pathogenic (REVEL; score:0.633) to the function of the canonical transcript. This variant is absent from ClinVar, although a different amino acid change at the same position has been reported there as a Variant of Uncertain Significance (p.Arg248Cys; VarID:952557). To our current knowledge, the p.Arg248Leu variant identified here has not been reported in affected individuals in the literature. The p.Arg248 residue is within the Dbl Homology (DH) domain of SOS1 (UniProtKB:Q07889) which is involved in blocking allosteric Ras binding. Given the lack of compelling evidence for its pathogenicity, the c.743G>T (p.Arg248Leu) variant identified in the SOS1 gene is reported as a Variant of Uncertain Significance.